The following is an entry in ClinVar:

NM_000051.4(ATM):c.138T>G (p.His46Gln)

Gene: ATM (ATM serine/threonine kinase; plus strand). Cytogenetic location: 11q22.3.
Variant type: single nucleotide variant.
Coding change: c.138T>G on transcript NM_000051.4 (MANE Select); coding-DNA position 138, T replaced by G.
Protein change: p.His46Gln; replaces histidine 46 with glutamine.
Molecular consequence: missense variant.
Genome position (GRCh38, 1-based): chr11:108,227,841, T>G. VCF-style: chr11-108227841-T-G. GRCh37 (hg19) VCF-style: chr11-108098568-T-G.
Other names: c.138T>G, p.His46Gln (NM_001351834.2, NM_001351835.2, NM_001351836.2); short protein forms H46Q.
Identifiers: ClinVar variation 864687 (VCV000864687.13), dbSNP rs770834907, ClinGen allele CA382520089.

ClinVar aggregate classification (germline): Uncertain significance. Review status: criteria provided, multiple submitters, no conflicts (2 of 4 stars). 3 submissions from 3 submitters: Uncertain significance (3). Last evaluated 2025-04-28.

Conditions:
Hereditary cancer-predisposing syndrome. Also called: Neoplastic Syndromes, Hereditary; Hereditary neoplastic syndrome; Tumor predisposition; Hereditary Cancer Syndrome. Identifiers: Orphanet 140162, MedGen C0027672, MeSH D009386, MONDO:0015356.
Ataxia-telangiectasia syndrome (AT). Also called: Ataxia-telangiectasia, complementation group D; AT, COMPLEMENTATION GROUP C; ATAXIA-TELANGIECTASIA, COMPLEMENTATION GROUP A; ATAXIA-TELANGIECTASIA, FRESNO VARIANT; Ataxia-telangiectasia; LOUIS-BAR SYNDROME. Identifiers: Orphanet 100, MedGen C0004135, MONDO:0008840, OMIM 208900.

Submissions (3):

Labcorp Genetics (formerly Invitae), Labcorp
Classification: Uncertain significance for Ataxia-telangiectasia syndrome. Last evaluated: 2025-04-28. Review status: criteria provided, single submitter. Criteria: Invitae Variant Classification Sherloc (09022015). Collection method: clinical testing. Allele origin: germline.
Comment: This sequence change replaces histidine, which is basic and polar, with glutamine, which is neutral and polar, at codon 46 of the ATM protein (p.His46Gln). This variant is not present in population databases (gnomAD no frequency). This variant has not been reported in the literature in individuals affected with ATM-related conditions. ClinVar contains an entry for this variant (Variation ID: 864687). Invitae Evidence Modeling of protein sequence and biophysical properties (such as structural, functional, and spatial information, amino acid conservation, physicochemical variation, residue mobility, and thermodynamic stability) indicates that this missense variant is not expected to disrupt ATM protein function with a negative predictive value of 95%. In summary, the available evidence is currently insufficient to determine the role of this variant in disease. Therefore, it has been classified as a Variant of Uncertain Significance.

GeneDx
Classification: Uncertain significance. Last evaluated: 2024-08-23. Review status: criteria provided, single submitter. Criteria: GeneDx Variant Classification Process June 2021. Collection method: clinical testing. Allele origin: germline.
Comment: Not observed at significant frequency in large population cohorts (gnomAD); In silico analysis supports that this missense variant has a deleterious effect on protein structure/function; Has not been previously published as pathogenic or benign to our knowledge

Ambry Genetics
Classification: Uncertain significance for Hereditary cancer-predisposing syndrome. Last evaluated: 2023-01-26. Review status: criteria provided, single submitter. Criteria: Ambry Variant Classification Scheme 2023. Collection method: clinical testing. Allele origin: germline.
Comment: The p.H46Q variant (also known as c.138T>G), located in coding exon 2 of the ATM gene, results from a T to G substitution at nucleotide position 138. The histidine at codon 46 is replaced by glutamine, an amino acid with highly similar properties. This amino acid position is not well conserved in available vertebrate species. In addition, this alteration is predicted to be tolerated by in silico analysis. Since supporting evidence is limited at this time, the clinical significance of this alteration remains unclear.